The following is an entry in ClinVar:

ClinVar aggregate classification (germline): Uncertain significance (1 of 4 stars; one submission).

Submission:

Labcorp Genetics (formerly Invitae), Labcorp
Classification: Uncertain significance. Last evaluated: 2024-03-07. Review status: criteria provided, single submitter. Criteria: Invitae Variant Classification Sherloc (09022015). Collection method: clinical testing. Allele origin: germline.
Comment: This sequence change creates a premature translational stop signal (p.Asn710Cysfs*64) in the MYH7B gene. It is expected to result in an absent or disrupted protein product. However, the current clinical and genetic evidence is not sufficient to establish whether loss-of-function variants in MYH7B cause disease. This variant is present in population databases (no rsID available, gnomAD 0.003%). This variant has not been reported in the literature in individuals affected with MYH7B-related conditions. In summary, the available evidence is currently insufficient to determine the role of this variant in disease. Therefore, it has been classified as a Variant of Uncertain Significance.

NM_020884.7(MYH7B):c.2002_2005del (p.Asn668fs)

Gene: MYH7B (myosin heavy chain 7B; plus strand). Cytogenetic location: 20q11.22.
Variant type: Deletion.
Coding change: c.2002_2005del on transcript NM_020884.7 (MANE Select); coding-DNA positions 2002 to 2005, 4 bases deleted (AACC; older notation c.2002_2005delAACC).
Protein change: p.Asn668fs; shifts the reading frame from asparagine 668.
Molecular consequence: frameshift variant.
Genome position (GRCh38, 1-based): chr20:34,990,762-34,990,765, AACC deleted; deleting any 4 consecutive bases within chr20:34,990,759-34,990,765 gives the same sequence; the c. name uses the placement nearest the transcript's 3' end. VCF-style (leftmost placement, unchanged base first): chr20-34990758-GACCA-G. GRCh37 (hg19) VCF-style: chr20-33578561-GACCA-G.
Other names: short protein forms N668fs.
Identifiers: ClinVar variation 3682600 (VCV003682600.2).